The following is an entry in ClinVar:

NM_144687.4(NLRP12):c.2549del (p.Gly850fs)

Gene: NLRP12 (NLR family pyrin domain containing 12; minus strand). Cytogenetic location: 19q13.42.
Variant type: Deletion.
Coding change: c.2549del on transcript NM_144687.4 (MANE Select); coding-DNA position 2549, one base deleted (G; older notation c.2549delG).
Protein change: p.Gly850fs; shifts the reading frame from glycine 850.
Molecular consequence: frameshift variant.
Genome position (GRCh38, 1-based): chr19:53,803,988, C deleted on the plus strand (G on the coding strand, the reverse complement: NLRP12 is on the minus strand); the first of 3 consecutive C bases (chr19:53,803,988-53,803,990); deleting any one gives the same sequence. VCF-style (leftmost placement, unchanged base first): chr19-53803987-TC-T. GRCh37 (hg19) VCF-style: chr19-54307241-TC-T.
Other names: c.2552del, p.Gly851fs (NM_001277126.2); c.2549del, p.Gly850fs (NM_001277129.1); short protein forms G851fs, G850fs.
Identifiers: ClinVar variation 1400516 (VCV001400516.7), dbSNP rs1325684119, ClinGen allele CA633905375.

ClinVar aggregate classification (germline): Uncertain significance (1 of 4 stars; one submission).

Conditions:
Familial cold autoinflammatory syndrome 2 (FCAS2). Identifiers: Orphanet 247868, MedGen C2673198, MONDO:0012724, OMIM 611762.

Submission:

Labcorp Genetics (formerly Invitae), Labcorp
Classification: Uncertain significance for Familial cold autoinflammatory syndrome 2. Last evaluated: 2025-12-21. Review status: criteria provided, single submitter. Criteria: Invitae Variant Classification Sherloc (09022015). Collection method: clinical testing. Allele origin: germline.
Comment: This sequence change creates a premature translational stop signal (p.Gly850Aspfs*2) in the NLRP12 gene. It is expected to result in an absent or disrupted protein product. However, the current clinical and genetic evidence is not sufficient to establish whether loss-of-function variants in NLRP12 cause disease. This variant is present in population databases (no rsID available, gnomAD 0.0009%). This variant has not been reported in the literature in individuals affected with NLRP12-related conditions. ClinVar contains an entry for this variant (Variation ID: 1400516). Experimental studies and prediction algorithms are not available or were not evaluated, and the functional significance of this variant is currently unknown. In summary, the available evidence is currently insufficient to determine the role of this variant in disease. Therefore, it has been classified as a Variant of Uncertain Significance.